The following is an entry in ClinVar:

ClinVar aggregate classification (germline): Uncertain significance (1 of 4 stars; one submission).

Submission:

CeGaT Center for Human Genetics Tuebingen
Classification: Uncertain significance. Last evaluated: 2026-06-01. Review status: criteria provided, single submitter. Criteria: CeGaT Center For Human Genetics Tuebingen Variant Classification Criteria Version 2. Collection method: clinical testing. Allele origin: germline. Affected: yes. Observed: 1 variant allele.
Comment: HNF4A: PM2, PP3

NM_175914.5(HNF4A):c.53C>G (p.Thr18Arg)

Gene: HNF4A (hepatocyte nuclear factor 4 alpha; plus strand). Cytogenetic location: 20q13.12.
Variant type: single nucleotide variant.
Coding change: c.53C>G on transcript NM_175914.5 (MANE Select); coding-DNA position 53, C replaced by G.
Protein change: p.Thr18Arg; replaces threonine 18 with arginine.
Molecular consequence: missense variant.
Genome position (GRCh38, 1-based): chr20:44,406,061, C>G. VCF-style: chr20-44406061-C-G. GRCh37 (hg19) VCF-style: chr20-43034701-C-G.
Other names: c.119C>G, p.Thr40Arg (NM_178850.3, NM_000457.6, NM_178849.3); c.53C>G, p.Thr18Arg (NM_001030003.3, NM_001030004.3); c.98C>G, p.Thr33Arg (NM_001258355.2); c.44C>G, p.Thr15Arg (NM_001287182.2, NM_001287183.2, NM_001287184.2); short protein forms T15R, T18R, T33R, T40R.
Identifiers: ClinVar variation 4875394 (VCV004875394.2).